The following is an entry in ClinVar:

ClinVar aggregate classification (germline): Benign/Likely benign. Review status: criteria provided, multiple submitters, no conflicts (2 of 4 stars). 6 submissions from 6 submitters: Benign (2); Likely benign (4). Last evaluated 2025-12-16.

Conditions:
Spinocerebellar ataxia type 27 (SCA27). Identifiers: Orphanet 98764, MedGen C1836383, MONDO:0012247.
FGF14-related disorder. Also called: FGF14-related condition.

Allele frequency attached by ClinVar (database versions not stated): TOPMed 0.00026; ExAC 0.00028; ESP Exome Variant Server 0.00031; gnomAD 0.00031 and 0.00033.
gnomAD v4.1: 388 of 1,613,832 alleles (0.024%); highest among the groups gnomAD compares: Middle Eastern, 0.066%; no homozygotes.

Submissions (6):

Labcorp Genetics (formerly Invitae), Labcorp
Classification: Likely benign. Last evaluated: 2025-12-16. Review status: criteria provided, single submitter. Criteria: Invitae Variant Classification Sherloc (09022015). Collection method: clinical testing. Allele origin: germline.

PreventionGenetics, part of Exact Sciences
Classification: Likely benign for FGF14-related condition. Last evaluated: 2025-01-22. Review status: criteria provided, single submitter. Criteria: ACMG Guidelines, 2015. Collection method: clinical testing. Allele origin: germline.
Comment: This variant is classified as likely benign based on ACMG/AMP sequence variant interpretation guidelines (Richards et al. 2015 PMID: 25741868, with internal and published modifications).

Mayo Clinic Laboratories, Mayo Clinic
Classification: Benign. Last evaluated: 2023-06-05. Review status: criteria provided, single submitter. Criteria: ACMG Guidelines, 2015. Collection method: clinical testing. Allele origin: germline. Observed: 3 variant alleles.
Comment: BS1, BS2, BP4, BP7

CeGaT Center for Human Genetics Tuebingen
Classification: Likely benign. Last evaluated: 2021-05-01. Review status: criteria provided, single submitter. Criteria: CeGaT Center For Human Genetics Tuebingen Variant Classification Criteria Version 2. Collection method: clinical testing. Allele origin: germline. Affected: yes. Observed: 1 variant allele.

Illumina Laboratory Services, Illumina
Classification: Likely benign for Spinocerebellar ataxia 27A. Last evaluated: 2017-11-08. Review status: criteria provided, single submitter. Criteria: ICSL Variant Classification Criteria 13 December 2019. Collection method: clinical testing. Allele origin: germline.
Comment: This variant was observed as part of a predisposition screen in an ostensibly healthy population. A literature search was performed for the gene, cDNA change, and amino acid change (where applicable). No publications were found based on this search. Allele frequency data from public databases allowed determination this variant is unlikely to cause disease. Therefore, this variant is classified as likely benign.

Athena Diagnostics
Classification: Benign. Last evaluated: 2016-09-07. Review status: criteria provided, single submitter. Criteria: Athena Diagnostics Criteria. Collection method: clinical testing. Allele origin: germline.

Literature cited by the submitters: PubMed 15470364 (cited by Athena Diagnostics).

NM_004115.4(FGF14):c.123C>T (p.Asn41=)

Gene: FGF14 (fibroblast growth factor 14; minus strand). Cytogenetic location: 13q33.1.
Variant type: single nucleotide variant.
Coding change: c.123C>T on transcript NM_004115.4 (MANE Select); coding-DNA position 123, C replaced by T.
Protein change: p.Asn41=; no amino-acid change (asparagine 41 retained).
Molecular consequence: synonymous variant. On other transcripts: intron variant (21).
Genome position (GRCh38, 1-based): chr13:101,916,523, G>A on the plus strand (C>T on the coding strand, the complement: FGF14 is on the minus strand). VCF-style: chr13-101916523-G-A. GRCh37 (hg19) VCF-style: chr13-102568873-G-A.
Other names: p.Asn41=; c.53-41227C>T (NM_001321947.2); c.92-41227C>T (NM_001379342.1, NM_001321948.2, NM_001321945.2); c.-59-41227C>T (NM_001321946.2, NM_001321949.1, NM_001321943.1 and 4 more transcripts); c.14-41227C>T (NM_001321938.2, NM_001321940.1, NM_001321933.1); c.209-47695C>T (NM_001321939.2); c.209-41227C>T (NM_175929.3, NM_001321937.2); c.8-41227C>T (NM_001321941.2); and 1 more.
Identifiers: ClinVar variation 447324 (VCV000447324.49), dbSNP rs372705140, ClinGen allele CA7037276.